The following is an entry in ClinVar:

ClinVar aggregate classification (germline): Uncertain significance (1 of 4 stars; one submission).

Submission:

Labcorp Genetics (formerly Invitae), Labcorp
Classification: Uncertain significance. Last evaluated: 2022-04-10. Review status: criteria provided, single submitter. Criteria: Invitae Variant Classification Sherloc (09022015). Collection method: clinical testing. Allele origin: germline.
Comment: This sequence change falls in intron 1 of the SMARCB1 gene. It does not directly change the encoded amino acid sequence of the SMARCB1 protein. This variant is not present in population databases (gnomAD no frequency). This variant has not been reported in the literature in individuals affected with SMARCB1-related conditions. Algorithms developed to predict the effect of sequence changes on RNA splicing suggest that this variant may disrupt the consensus splice site. In summary, the available evidence is currently insufficient to determine the role of this variant in disease. Therefore, it has been classified as a Variant of Uncertain Significance.

NM_003073.5(SMARCB1):c.94-14T>G

Gene: SMARCB1 (SWI/SNF related BAF chromatin remodeling complex subunit B1; plus strand). Cytogenetic location: 22q11.23.
Variant type: single nucleotide variant.
Coding change: c.94-14T>G on transcript NM_003073.5 (MANE Select); 14 bases into the intron before coding-DNA position 94, T replaced by G.
Molecular consequence: intron variant.
Genome position (GRCh38, 1-based): chr22:23,791,742, T>G. VCF-style: chr22-23791742-T-G. GRCh37 (hg19) VCF-style: chr22-24133929-T-G.
Other names: c.94-14T>G (NM_001362877.2, NM_001317946.2, NM_001007468.3).
Identifiers: ClinVar variation 2124261 (VCV002124261.4), dbSNP rs1320922844, ClinGen allele CA2580099266.